The following is an entry in ClinVar:

NM_017612.5(ZCCHC8):c.1956_1959del (p.Ala653fs)

Gene: ZCCHC8 (zinc finger CCHC-type containing 8; minus strand). Cytogenetic location: 12q24.31.
Variant type: Deletion.
Coding change: c.1956_1959del on transcript NM_017612.5 (MANE Select); coding-DNA positions 1956 to 1959, 4 bases deleted (GGCC; older notation c.1956_1959delGGCC).
Protein change: p.Ala653fs; shifts the reading frame from alanine 653.
Molecular consequence: frameshift variant.
Genome position (GRCh38, 1-based): chr12:122,473,662-122,473,665, GGCC deleted on the plus strand (GGCC on the coding strand, the reverse complement: ZCCHC8 is on the minus strand); deleting any 4 consecutive bases within chr12:122,473,662-122,473,666 gives the same sequence; the c. name uses the placement nearest the transcript's 3' end. VCF-style (leftmost placement, unchanged base first): chr12-122473661-TGGCC-T. GRCh37 (hg19) VCF-style: chr12-122958208-TGGCC-T.
Other names: c.1725_1728del, p.Ala576fs (NM_001350935.2); c.1659_1662del, p.Ala554fs (NM_001350936.2); c.1242_1245del, p.Ala415fs (NM_001350937.2, NM_001350938.2); short protein forms A415fs, A554fs, A576fs, A653fs.
Identifiers: ClinVar variation 4799473 (VCV004799473.1).

ClinVar aggregate classification (germline): Uncertain significance (1 of 4 stars; one submission).

Submission:

Labcorp Genetics (formerly Invitae), Labcorp
Classification: Uncertain significance. Last evaluated: 2025-11-04. Review status: criteria provided, single submitter. Criteria: Invitae Variant Classification Sherloc (09022015). Collection method: clinical testing. Allele origin: germline.
Comment: This sequence change creates a premature translational stop signal (p.Ala653Leufs*10) in the ZCCHC8 gene. While this is not anticipated to result in nonsense mediated decay, it is expected to disrupt the last 55 amino acid(s) of the ZCCHC8 protein. This variant is not present in population databases (gnomAD no frequency). This variant has not been reported in the literature in individuals affected with ZCCHC8-related conditions. Experimental studies and prediction algorithms are not available or were not evaluated, and the functional significance of this variant is currently unknown. In summary, the available evidence is currently insufficient to determine the role of this variant in disease. Therefore, it has been classified as a Variant of Uncertain Significance.